The following is an entry in ClinVar:

NM_002439.5(MSH3):c.2109T>A (p.Phe703Leu)

Gene: MSH3 (mutS homolog 3; plus strand). Cytogenetic location: 5q14.1.
Variant type: single nucleotide variant.
Coding change: c.2109T>A on transcript NM_002439.5 (MANE Select); coding-DNA position 2109, T replaced by A.
Protein change: p.Phe703Leu; replaces phenylalanine 703 with leucine.
Molecular consequence: missense variant.
Genome position (GRCh38, 1-based): chr5:80,768,859, T>A. VCF-style: chr5-80768859-T-A. GRCh37 (hg19) VCF-style: chr5-80064678-T-A.
Other names: short protein forms F703L.
Identifiers: ClinVar variation 5024746 (VCV005024746.1).

ClinVar aggregate classification (germline): Uncertain significance (1 of 4 stars; one submission).

Conditions:
Hereditary cancer-predisposing syndrome. Also called: Neoplastic Syndromes, Hereditary; Tumor predisposition; Hereditary neoplastic syndrome; Hereditary Cancer Syndrome. Identifiers: Orphanet 140162, MedGen C0027672, MeSH D009386, MONDO:0015356.

Submission:

Ambry Genetics
Classification: Uncertain significance for Hereditary cancer-predisposing syndrome. Last evaluated: 2026-06-16. Review status: criteria provided, single submitter. Criteria: Ambry Variant Classification Scheme 2023. Collection method: clinical testing. Allele origin: germline.
Comment: The p.F703L variant (also known as c.2109T>A), located in coding exon 15 of the MSH3 gene, results from a T to A substitution at nucleotide position 2109. The phenylalanine at codon 703 is replaced by leucine, an amino acid with highly similar properties. This amino acid position is conserved. In addition, the in silico prediction for this alteration is inconclusive. Based on the available evidence, the clinical significance of this variant remains unclear.